The following is an entry in ClinVar:

NM_198525.3(KIF7):c.2215C>T (p.Arg739Cys)

Gene: KIF7 (kinesin family member 7; minus strand). Cytogenetic location: 15q26.1.
Variant type: single nucleotide variant.
Coding change: c.2215C>T on transcript NM_198525.3 (MANE Select); coding-DNA position 2215, C replaced by T.
Protein change: p.Arg739Cys; replaces arginine 739 with cysteine.
Molecular consequence: missense variant.
Genome position (GRCh38, 1-based): chr15:89,642,382, G>A on the plus strand (C>T on the coding strand, the complement: KIF7 is on the minus strand). VCF-style: chr15-89642382-G-A. GRCh37 (hg19) VCF-style: chr15-90185613-G-A.
Other names: short protein forms R739C.
Identifiers: ClinVar variation 1381636 (VCV001381636.4), dbSNP rs768766154, ClinGen allele CA7728270.
Genomic context (GRCh38, chr15:89,642,382, plus strand): 5'-GCTCGGCCCGCACCTGCTCTGCCTCCTGCTCCAGCTCCCGGATACGCTGGCTGTGCTGGC[G>A]GTTCAGGGCCTGAGCTGCCTTTCCTGGAAGAAAGCGGGAATGTCAGCACAGGCAGCCCTG-3'
Protein context (NP_940927.2, residues 729-749): RTGKAAQALN[Arg739Cys]QHSQRIRELE

ClinVar aggregate classification (germline): Uncertain significance (1 of 4 stars; one submission).

Conditions:
Acrocallosal syndrome (ACLS). Also called: Schinzel syndrome 1; Absence of corpus callosum with unusual facial appearance, mental deficiency, duplication of the halluces and polydactyly; HALLUX DUPLICATION, POSTAXIAL POLYDACTYLY, AND ABSENCE OF CORPUS CALLOSUM. Identifiers: Orphanet 36, MedGen C0796147, MONDO:0008708, OMIM 200990.

Allele frequency attached by ClinVar (database versions not stated): ExAC 0.00001.
gnomAD v4.1: 7 of 1,605,356 alleles (0.00044%); highest among the groups gnomAD compares: South Asian, 0.0033%; no homozygotes.

Submission:

Labcorp Genetics (formerly Invitae), Labcorp
Classification: Uncertain significance for Acrocallosal syndrome. Last evaluated: 2021-09-17. Review status: criteria provided, single submitter. Criteria: Invitae Variant Classification Sherloc (09022015). Collection method: clinical testing. Allele origin: germline.
Comment: In summary, the available evidence is currently insufficient to determine the role of this variant in disease. Therefore, it has been classified as a Variant of Uncertain Significance. Algorithms developed to predict the effect of missense changes on protein structure and function are either unavailable or do not agree on the potential impact of this missense change (SIFT: "Deleterious"; PolyPhen-2: "Probably Damaging"; Align-GVGD: "Class C0"). This variant has not been reported in the literature in individuals affected with KIF7-related conditions. The frequency data for this variant in the population databases is considered unreliable, as metrics indicate poor data quality at this position in the ExAC database. This sequence change replaces arginine with cysteine at codon 739 of the KIF7 protein (p.Arg739Cys). The arginine residue is weakly conserved and there is a large physicochemical difference between arginine and cysteine.